The following is an entry in ClinVar:

NM_007294.4(BRCA1):c.134+2993T>A

Gene: BRCA1 (BRCA1 DNA repair associated; minus strand). Cytogenetic location: 17q21.31.
Variant type: single nucleotide variant.
Coding change: c.134+2993T>A on transcript NM_007294.4 (MANE Select); 2993 bases into the intron after coding-DNA position 134, T replaced by A.
Molecular consequence: intron variant.
Genome position (GRCh38, 1-based): chr17:43,112,733, A>T on the plus strand (T>A on the coding strand, the complement: BRCA1 is on the minus strand). VCF-style: chr17-43112733-A-T. GRCh37 (hg19) VCF-style: chr17-41264750-A-T.
Other names: c.-8+2993T>A (NM_001408458.1, NM_001408470.1, NM_001407848.1 and 47 more transcripts); c.-219+12544T>A (NM_001407967.1); c.-169-7777T>A (NM_001407959.1, NM_001407963.1); c.-7-6200T>A (NM_001407931.1, NM_001407747.1, NM_001408461.1 and 30 more transcripts); c.-170+2993T>A (NM_001407962.1, NM_001408512.1, NM_001408510.1 and 1 more transcripts); c.-55+2993T>A (NM_001407885.1, NM_001407886.1, NM_001408509.1 and 52 more transcripts); c.-123-2153T>A (NM_001407746.1, NM_001408468.1, NM_001407842.1 and 13 more transcripts); c.134+2993T>A (NM_001407686.1, NM_001408397.1, NM_001407632.1 and 191 more transcripts); and 9 more.
Identifiers: ClinVar variation 264824 (VCV000264824.2), dbSNP rs371133200, ClinGen allele CA10588249.

ClinVar aggregate classification (germline): Benign (3 of 4 stars; one submission).

Conditions:
Breast-ovarian cancer, familial, susceptibility to, 1 (BROVCA1). Also called: BRCA1 Hereditary Breast and Ovarian Cancer; OVARIAN CANCER, SUSCEPTIBILITY TO. Identifiers: Orphanet 145, MedGen C2676676, MONDO:0011450, OMIM 604370. Disease mechanism: loss of function.

Allele frequency attached by ClinVar (database versions not stated): gnomAD exomes 0.41667; gnomAD 0.44806 and 0.45062; 1000 Genomes Project 0.47025; 1000 Genomes Project 30x 0.50172.
gnomAD v4.1: 68,140 of 151,660 alleles (45%); highest among the groups gnomAD compares: African/African-American, 68%; 17,015 homozygotes.

Submission:

Evidence-based Network for the Interpretation of Germline Mutant Alleles (ENIGMA)
Classification: Benign for Breast-ovarian cancer, familial, susceptibility to, 1. Last evaluated: 2016-09-28. Review status: reviewed by expert panel. Criteria: ENIGMA BRCA1/2 Classification Criteria (2015). Collection method: curation. Allele origin: germline.
Comment: Class 1 not pathogenic based on frequency >1% in an outbred sampleset. Frequency 0.3429 (European), 0.7065 (African), 0.3689 (Admixed American/Latino), 0.3343 (East Asian), 0.4939 (South Asian), derived from 1000 genomes (2013-05-02).